The following is an entry in ClinVar:

NM_005120.3(MED12):c.3516C>G (p.Thr1172=)

Gene: MED12 (mediator complex subunit 12; plus strand). Cytogenetic location: Xq13.1.
Variant type: single nucleotide variant.
Coding change: c.3516C>G on transcript NM_005120.3 (MANE Select); coding-DNA position 3516, C replaced by G.
Protein change: p.Thr1172=; no amino-acid change (threonine 1172 retained).
Molecular consequence: synonymous variant.
Genome position (GRCh38, 1-based): chrX:71,129,154, C>G. VCF-style: chrX-71129154-C-G. GRCh37 (hg19) VCF-style: chrX-70349004-C-G.
Identifiers: ClinVar variation 383303 (VCV000383303.9), dbSNP rs1057521581, ClinGen allele CA16609209.

ClinVar aggregate classification (germline): Likely benign. Review status: criteria provided, multiple submitters, no conflicts (2 of 4 stars). 2 submissions from 2 submitters: Likely benign (2). Last evaluated 2024-06-29.

Conditions:
FG syndrome (FGS). Identifiers: MedGen C0220769, MONDO:0002010.

Allele frequency attached by ClinVar (database versions not stated): gnomAD 0.00002; TOPMed 0.00002.
gnomAD v4.1: 2 of 1,209,192 alleles (0.00017%); highest among the groups gnomAD compares: Non-Finnish European, 0.00022%; no homozygotes.

Submissions (2):

Labcorp Genetics (formerly Invitae), Labcorp
Classification: Likely benign for FG syndrome. Last evaluated: 2024-06-29. Review status: criteria provided, single submitter. Criteria: Invitae Variant Classification Sherloc (09022015). Collection method: clinical testing. Allele origin: germline.

GeneDx
Classification: Likely benign. Last evaluated: 2016-02-01. Review status: criteria provided, single submitter. Criteria: GeneDx Variant Classification (06012015). Collection method: clinical testing. Allele origin: germline. Affected: yes.
Comment: This variant is considered likely benign or benign based on one or more of the following criteria: it is a conservative change, it occurs at a poorly conserved position in the protein, it is predicted to be benign by multiple in silico algorithms, and/or has population frequency not consistent with disease.